The following is an entry in ClinVar:

NM_004565.3(PEX14):c.360A>G (p.Ala120=)

Gene: PEX14 (peroxisomal biogenesis factor 14; plus strand). Cytogenetic location: 1p36.22.
Variant type: single nucleotide variant.
Coding change: c.360A>G on transcript NM_004565.3 (MANE Select); coding-DNA position 360, A replaced by G.
Protein change: p.Ala120=; no amino-acid change (alanine 120 retained).
Molecular consequence: synonymous variant.
Genome position (GRCh38, 1-based): chr1:10,618,393, A>G. VCF-style: chr1-10618393-A-G. GRCh37 (hg19) VCF-style: chr1-10678450-A-G.
Identifiers: ClinVar variation 95144 (VCV000095144.44), dbSNP rs148479162, ClinGen allele CA222777.

ClinVar aggregate classification (germline): Conflicting classifications of pathogenicity. Review status: criteria provided, conflicting classifications (1 of 4 stars). 5 submissions from 5 submitters: Uncertain significance (2); Likely benign (3). Last evaluated 2026-01-16.

Conditions:
Peroxisome biogenesis disorder, complementation group K (CGK). Identifiers: MedGen C1866257, MONDO:0800365.
Peroxisome biogenesis disorder 13A (Zellweger). Also called: Peroxisome biogenesis disorder 13A. Identifiers: Orphanet 912, MedGen C3554004, MONDO:0013952, OMIM 614887.

Allele frequency attached by ClinVar (database versions not stated): ExAC 0.00014; gnomAD exomes 0.00019 and 0.00056; gnomAD 0.00021 and 0.00022; ESP Exome Variant Server 0.00023; TOPMed 0.00026.
gnomAD v4.1: 899 of 1,613,654 alleles (0.056%); highest among the groups gnomAD compares: Non-Finnish European, 0.069%; no homozygotes.

Submissions (5):

Labcorp Genetics (formerly Invitae), Labcorp
Classification: Likely benign for Peroxisome biogenesis disorder, complementation group K. Last evaluated: 2026-01-16. Review status: criteria provided, single submitter. Criteria: Invitae Variant Classification Sherloc (09022015). Collection method: clinical testing. Allele origin: germline.

CeGaT Center for Human Genetics Tuebingen
Classification: Likely benign. Last evaluated: 2025-12-01. Review status: criteria provided, single submitter. Criteria: CeGaT Center For Human Genetics Tuebingen Variant Classification Criteria Version 2. Collection method: clinical testing. Allele origin: germline. Affected: yes. Observed: 3 variant alleles.
Comment: PEX14: BP4, BP7

Blueprint Genetics
Classification: Likely benign. Last evaluated: 2024-11-18. Review status: criteria provided, single submitter. Criteria: ACMG Guidelines, 2015. Collection method: clinical testing. Allele origin: germline.

Illumina Laboratory Services, Illumina
Classification: Uncertain significance for Peroxisome biogenesis disorder 13A (Zellweger). Last evaluated: 2018-01-12. Review status: criteria provided, single submitter. Criteria: ICSL Variant Classification Criteria 13 December 2019. Collection method: clinical testing. Allele origin: germline.

Eurofins Ntd Llc (ga)
Classification: Uncertain significance. Last evaluated: 2017-07-13. Review status: criteria provided, single submitter. Criteria: EGL Classification Definitions 2015. Collection method: clinical testing. Allele origin: germline. Observed: 4 variant alleles, 4 heterozygotes.